The following is an entry in ClinVar:

NM_144687.4(NLRP12):c.850C>T (p.Arg284Ter)

Gene: NLRP12 (NLR family pyrin domain containing 12; minus strand). Cytogenetic location: 19q13.42.
Variant type: single nucleotide variant.
Coding change: c.850C>T on transcript NM_144687.4 (MANE Select); coding-DNA position 850, C replaced by T.
Protein change: p.Arg284Ter; replaces arginine 284 with a stop codon.
Molecular consequence: nonsense.
Genome position (GRCh38, 1-based): chr19:53,810,809, G>A on the plus strand (C>T on the coding strand, the complement: NLRP12 is on the minus strand). VCF-style: chr19-53810809-G-A. GRCh37 (hg19) VCF-style: chr19-54314063-G-A.
Other names: c.850C>T, p.Arg284Ter (NM_001277126.2, NM_001277129.1); c.850C>T (NM_144687.2); short protein forms R284*.
Identifiers: ClinVar variation 1596 (VCV000001596.32), dbSNP rs104895564, ClinGen allele CA115098.

ClinVar aggregate classification (germline): Conflicting classifications of pathogenicity. Review status: criteria provided, conflicting classifications (1 of 4 stars). 13 submissions from 13 submitters: Pathogenic (1); Uncertain significance (10). 2 of the submissions do not count toward it. Last evaluated 2026-02-11.

Conditions:
Familial cold autoinflammatory syndrome 2 (FCAS2). Identifiers: Orphanet 247868, MedGen C2673198, MONDO:0012724, OMIM 611762.
Autoinflammatory syndrome. Identifiers: Orphanet 93665, MedGen C3890737, MONDO:0019751.

Allele frequency attached by ClinVar (database versions not stated): gnomAD exomes 0.00015; ExAC 0.00023; gnomAD 0.00044 and 0.00046; TOPMed 0.00053; 1000 Genomes Project 30x 0.00187; 1000 Genomes Project 0.00240.
gnomAD v4.1: 168 of 1,614,074 alleles (0.01%); highest among the groups gnomAD compares: African/African-American, 0.16%; 1 homozygote.

Submissions (13):

Dasa
Classification: Uncertain significance. Last evaluated: 2026-02-11. Review status: criteria provided, single submitter. Criteria: DASA Assertion Criteria. Collection method: clinical testing. Allele origin: germline.
Comment: NM_144687.4(NLRP12):c.850C>T (p.Arg284*) is a nonsense variant in NLRP12 predicted to introduce a premature termination codon. Functional evidence supports an impact on the gene or gene product (PMID: 18230725; PMID: 30559449; PMID: 21360512; PMID: 30183354; PMID: 24906912). This classification is supported by population frequency inconsistent with a disease-causing role. The currently available literature and clinical evidence are not sufficient to establish a definitive association between this variant and the reported condition. Therefore, this variant is classified as a variant of uncertain significance.

Labcorp Genetics (formerly Invitae), Labcorp
Classification: Uncertain significance for Familial cold autoinflammatory syndrome 2. Last evaluated: 2025-12-17. Review status: criteria provided, single submitter. Criteria: Invitae Variant Classification Sherloc (09022015). Collection method: clinical testing. Allele origin: germline.
Comment: This sequence change creates a premature translational stop signal (p.Arg284*) in the NLRP12 gene. It is expected to result in an absent or disrupted protein product. However, the current clinical and genetic evidence is not sufficient to establish whether loss-of-function variants in NLRP12 cause disease. This variant is present in population databases (rs104895564, gnomAD 0.1%), and has an allele count higher than expected for a pathogenic variant. This premature translational stop signal has been observed in individual(s) with clinical features of familial cold autoinflammatory syndrome (FCAS) (PMID: 18230725). ClinVar contains an entry for this variant (Variation ID: 1596). Algorithms developed to predict the effect of variants on gene product structure and function are not available or were not evaluated for this variant. Experimental studies are conflicting or provide insufficient evidence to determine the effect of this variant on NLRP12 function (PMID: 18230725, 21360512). In summary, the available evidence is currently insufficient to determine the role of this variant in disease. Therefore, it has been classified as a Variant of Uncertain Significance.

ARUP Laboratories, Molecular Genetics and Genomics, ARUP Laboratories
Classification: Uncertain significance for Familial cold autoinflammatory syndrome 2. Last evaluated: 2025-06-04. Review status: criteria provided, single submitter. Criteria: ARUP Molecular Germline Variant Investigation Process 2024. Collection method: clinical testing. Allele origin: germline.
Comment: The NLRP12 c.850C>T; p.Arg284Ter variant (rs104895564, ClinVar variation ID: 1596) is published in the medical literature in one family with a hereditary periodic fever syndrome (Jeru 2008, Jeru 2011), but has also been reported in a reportedly unaffected individual (Rodriguez-Flores 2014). This variant is found in the African/African American population with an allele frequency of 0.1% (34/24916 alleles) in the Genome Aggregation Database (v2.1.1). This variant induces an early termination codon and is predicted to result in a truncated protein or mRNA subject to nonsense-mediated decay. Functional studies have shown conflicting NFKB activation by this variant (Borghini 2011, Jeru 2008). Although the physiological relevance of NLRP12 in periodic fever syndrome is certain, if disease is caused by loss-of-function variants remained to be determined (Tuncer 2014). Due to conflicting information, the clinical significance of this variant is uncertain. References: Borghini S et al. Clinical presentation and pathogenesis of cold-induced autoinflammatory disease in a family with recurrence of an NLRP12 mutation. Arthritis Rheum. 2011 Mar;63(3):830-9. PMID: 21360512. Jeru I et al. Mutations in NALP12 cause hereditary periodic fever syndromes. Proc Natl Acad Sci U S A. 2008 Feb 5;105(5):1614-9. PMID: 18230725. Jeru I et al. Role of interleukin-1ÃŸ in NLRP12-associated autoinflammatory disorders and resistance to anti-interleukin-1 therapy. Arthritis Rheum. 2011 Jul;63(7):2142-8. PMID: 21480187 Rodriguez-Flores JL et al. Exome sequencing identifies potential risk variants for Mendelian disorders at high prevalence in Qatar. Hum Mutat. 2014 Jan;35(1):105-16. PMID: 24123366. Tuncer S et al. The multifaceted nature of NLRP12. J Leukoc Biol. 2014 Dec;96(6):991-1000. PMID: 25249449.

GeneDx
Classification: Pathogenic. Last evaluated: 2024-10-28. Review status: criteria provided, single submitter. Criteria: GeneDx Variant Classification Process June 2021. Collection method: clinical testing. Allele origin: germline. Affected: yes.
Comment: Reported in association with NLRP12-related familial cold autoinflammatory syndrome in the published literature (PMID: 18230725); Published functional studies demonstrate a damaging effect (PMID: 18230725); Nonsense variant predicted to result in protein truncation or nonsense mediated decay in a gene for which loss of function is a known mechanism of disease; This variant is associated with the following publications: (PMID: 34054914, 25525159, 21480187, 31589614, 32743516, 33525590, 30559449, 24906912, 31820221, 28421071, 27314497, 24123366, 20007570, 21360512, 18230725, 31345219, 30788684)

Genomic Medicine Center of Excellence, King Faisal Specialist Hospital and Research Centre
Classification: Uncertain significance for Familial cold autoinflammatory syndrome 2. Last evaluated: 2024-10-13. Review status: criteria provided, single submitter. Criteria: ACMG Guidelines, 2015. Collection method: clinical testing. Allele origin: germline.
Comment: This sequence change creates a premature translational stop signal (GRCh38; NM_001277126.2:c.850C>T:p.Arg284Ter) in the NLRP12 protein. This alteration is expected to result in loss of function by premature termination codon resulting in protein truncation, or nonsense-mediated mRNA decay. This alteration is interpreted as disease-causing mutation, a commonly known mechanism for disease. ClinVar contains an entry for this variant (Variation ID: 1596). Observed in healthy adults individual for a dominant disorder. Functional studies have shown conflicting NFKB activation by this variant (PMID: 18230725, 21360512) Based on conflicting evidence or insufficient data to determine whether the variant is benign or pathogenic, the clinical significance of this alteration remains unclear. In summary, this variant meets our criteria for classification as of Unknown Clinical Significance based on the evidence outlined.

Greenwood Genetic Center Diagnostic Laboratories, Greenwood Genetic Center
Classification: Uncertain significance. Last evaluated: 2024-05-15. Review status: criteria provided, single submitter. Criteria: ACMG Guidelines, 2015. Collection method: clinical testing. Allele origin: germline. Affected: yes.
Comment: BS2

Blueprint Genetics
Classification: Uncertain significance. Last evaluated: 2024-02-21. Review status: criteria provided, single submitter. Criteria: ACMG Guidelines, 2015. Collection method: clinical testing. Allele origin: germline.

Fulgent Genetics
Classification: Uncertain significance for Familial cold autoinflammatory syndrome 2. Last evaluated: 2022-04-05. Review status: criteria provided, single submitter. Criteria: ACMG Guidelines, 2015. Collection method: clinical testing. Allele origin: unknown.

New York Genome Center
Classification: Uncertain significance for Familial cold autoinflammatory syndrome 2. Last evaluated: 2021-02-05. Review status: criteria provided, single submitter. Criteria: NYGC Assertion Criteria 2020. Collection method: clinical testing. Allele origin: inherited. Observed: 1 heterozygote. Study: CSER-NYCKidSeq.
Comment: The inherited c.850C>T(p.Arg284Ter)stop-gained variant identified in exon 3(of 10) of the NLRP12 gene creates a premature translation termination codon and is predicted to cause loss of normal protein function either through protein truncation or nonsense-mediated mRNA decay. However, loss-of-function is not an established mechanism of disease for NLRP12 related disorder. The p.Arg284Ter variant has 0.0004403 allele frequency in the gnomAD(v3) database across all populations represented in the database (67 out of 152,152 heterozygous alleles, no homozygotes), and 0.001448 allele frequency in the African/African-American sub-population (60 out of 41,450 heterozygous alleles, no homozygotes). Although the variant has been reported in a family affected with hereditary periodic fever syndrome [PMID: 18230725], functional studies show contradictory data regarding potential pathogenicity of this variant [PMID: 18230725; PMID: 21360512]. Given the lack of compelling evidence for its pathogenicity, the inherited c.850C>T(p.Arg284Ter) stop-gained variant identified in the NLRP12geneis reported as a variant of uncertain significance.

Genome Diagnostics Laboratory, The Hospital for Sick Children
Classification: Uncertain significance for Autoinflammatory syndrome. Last evaluated: 2019-08-01. Review status: criteria provided, single submitter. Criteria: ACMG Guidelines, 2015. Collection method: clinical testing. Allele origin: germline. Affected: yes.

Breakthrough Genomics
Classification: Uncertain significance. Review status: criteria provided, single submitter. Criteria: ACMG Guidelines, 2015. Collection method: not provided. Allele origin: germline. Inheritance: Autosomal dominant inheritance. Affected: yes.

Unité médicale des maladies autoinflammatoires, CHRU Montpellier
No classification provided. Review status: no classification provided. Collection method: not provided. Allele origin: unknown. Not counted in ClinVar's aggregate classification.

OMIM
Classification: Pathogenic for FAMILIAL COLD AUTOINFLAMMATORY SYNDROME 2. Last evaluated: 2008-02-05. Review status: flagged submission. Collection method: literature only. Allele origin: germline. Not counted in ClinVar's aggregate classification.
ClinVar note: Reason: Claim with insufficient supporting evidence

Literature cited by the submitters: PubMed 18230725 (cited by 3 submitters); PubMed 30559449 (cited by Dasa); PubMed 21360512 (cited by Dasa and Labcorp Genetics (formerly Invitae), Labcorp); PubMed 30183354 (cited by Dasa); PubMed 24906912 (cited by Dasa); PubMed 27314497 (cited by Dasa and OMIM); PubMed 31820221 (cited by Dasa).